The following is an entry in ClinVar:

ClinVar aggregate classification (germline): Uncertain significance (1 of 4 stars; one submission).

Conditions:
Immunodeficiency 104. Also called: IMMUNODEFICIENCY 104, SEVERE COMBINED; Severe combined immunodeficiency, autosomal recessive, T cell-negative, B cell-positive, NK cell-positive; SCID, AUTOSOMAL RECESSIVE, T CELL-NEGATIVE, B CELL-POSITIVE, NK CELL-POSITIVE; Severe Combined Immune Deficiency, Autosomal Recessive, TCell -Negative, B Cell-Positive, NK Cell-Positive, IL7R-Related. Identifiers: MedGen C5676890, MONDO:0012163, OMIM 608971.

gnomAD v4.1: 13 of 1,612,942 alleles (0.00081%); highest among the groups gnomAD compares: Non-Finnish European, 0.0011%; no homozygotes.

Submission:

Labcorp Genetics (formerly Invitae), Labcorp
Classification: Uncertain significance for Immunodeficiency 104. Last evaluated: 2025-08-10. Review status: criteria provided, single submitter. Criteria: Invitae Variant Classification Sherloc (09022015). Collection method: clinical testing. Allele origin: germline.
Comment: This sequence change replaces valine, which is neutral and non-polar, with isoleucine, which is neutral and non-polar, at codon 1236 of the PTPRC protein (p.Val1236Ile). This variant is present in population databases (rs746116164, gnomAD 0.0009%). This variant has not been reported in the literature in individuals affected with PTPRC-related conditions. An algorithm developed to predict the effect of missense changes on protein structure and function outputs the following: PolyPhen-2: "Benign". The isoleucine amino acid residue is found in multiple mammalian species, which suggests that this missense change does not adversely affect protein function. In summary, the available evidence is currently insufficient to determine the role of this variant in disease. Therefore, it has been classified as a Variant of Uncertain Significance.

NM_002838.5(PTPRC):c.3706G>A (p.Val1236Ile)

Gene: PTPRC (protein tyrosine phosphatase receptor type C; plus strand). Cytogenetic location: 1q32.1.
Variant type: single nucleotide variant.
Coding change: c.3706G>A on transcript NM_002838.5 (MANE Select); coding-DNA position 3706, G replaced by A.
Protein change: p.Val1236Ile; replaces valine 1236 with isoleucine.
Molecular consequence: missense variant.
Genome position (GRCh38, 1-based): chr1:198,755,966, G>A. VCF-style: chr1-198755966-G-A. GRCh37 (hg19) VCF-style: chr1-198725095-G-A.
Other names: c.3223G>A, p.Val1075Ile (NM_080921.4); short protein forms V1075I, V1236I.
Identifiers: ClinVar variation 4808777 (VCV004808777.1).